The following is an entry in ClinVar:

ClinVar aggregate classification (germline): Likely pathogenic (1 of 4 stars; one submission).

Submission:

Labcorp Genetics (formerly Invitae), Labcorp
Classification: Likely pathogenic. Last evaluated: 2020-02-29. Review status: criteria provided, single submitter. Criteria: Invitae Variant Classification Sherloc (09022015). Collection method: clinical testing. Allele origin: germline.
Comment: In summary, the currently available evidence indicates that the variant is pathogenic, but additional data are needed to prove that conclusively. Therefore, this variant has been classified as Likely Pathogenic. Loss-of-function variants in TRPM1 are known to be pathogenic (PMID: 19896113, 19966281, 20300565). This variant has not been reported in the literature in individuals with TRPM1-related conditions. This variant results in a copy number gain of the genomic region encompassing exons 11-26 of the TRPM1 gene. While the exact position of this variant cannot be determined from this data, sub-genic copy number gains are generally in tandem (PMID: 25640679) and may result in an absent or disrupted protein product.

Literature cited by the submitters: PubMed 19896113; PubMed 19966281; PubMed 20300565; PubMed 25640679.

NC_000015.10:g.(?_31026139)_(31050582_?)dup

Gene: TRPM1 (transient receptor potential cation channel subfamily M member 1; minus strand). Cytogenetic location: 15q13.3.
Variant type: Duplication.
Identifiers: ClinVar variation 830953 (VCV000830953.5).